The following is an entry in ClinVar:

ClinVar aggregate classification (germline): Likely benign. Review status: criteria provided, multiple submitters, no conflicts (2 of 4 stars). 9 submissions from 8 submitters: Likely benign (9). Last evaluated 2026-02-03.

Conditions:
Hereditary cancer-predisposing syndrome. Also called: Tumor predisposition; Hereditary neoplastic syndrome; Hereditary Cancer Syndrome; Neoplastic Syndromes, Hereditary. Identifiers: Orphanet 140162, MedGen C0027672, MeSH D009386, MONDO:0015356.
Holoprosencephaly 7 (HPE7). Identifiers: Orphanet 2162, MedGen C1835820, MONDO:0012562, OMIM 610828.
Gorlin syndrome. Also called: Basal cell nevus syndrome; Nevoid Basal Cell Carcinoma Syndrome. Identifiers: Orphanet 377, MedGen C0004779, MONDO:0007187.

Allele frequency attached by ClinVar (database versions not stated): ExAC 0.00012; gnomAD exomes 0.00012 and 0.00025; gnomAD 0.00015 and 0.00016; TOPMed 0.00022; ESP Exome Variant Server 0.00038.
gnomAD v4.1: 394 of 1,614,074 alleles (0.024%); highest among the groups gnomAD compares: Non-Finnish European, 0.029%; no homozygotes.

Submissions (9):

Labcorp Genetics (formerly Invitae), Labcorp
Classification: Likely benign for Gorlin syndrome. Last evaluated: 2026-02-03. Review status: criteria provided, single submitter. Criteria: Invitae Variant Classification Sherloc (09022015). Collection method: clinical testing. Allele origin: germline.

Center for Genomic Medicine, Rigshospitalet, Copenhagen University Hospital
Classification: Likely benign. Last evaluated: 2025-12-29. Review status: criteria provided, single submitter. Criteria: ACMG Guidelines, 2015. Collection method: clinical testing. Allele origin: germline.
Comment: Classification criteria: BP4, BP7

CeGaT Center for Human Genetics Tuebingen
Classification: Likely benign. Last evaluated: 2025-04-01. Review status: criteria provided, single submitter. Criteria: CeGaT Center For Human Genetics Tuebingen Variant Classification Criteria Version 2. Collection method: clinical testing. Allele origin: germline. Affected: yes. Observed: 2 variant alleles.
Comment: PTCH1: BP4, BP7

Blueprint Genetics
Classification: Likely benign. Last evaluated: 2024-10-25. Review status: criteria provided, single submitter. Criteria: ACMG Guidelines, 2015. Collection method: clinical testing. Allele origin: germline.

Sema4
Classification: Likely benign for Hereditary cancer-predisposing syndrome. Last evaluated: 2021-08-10. Review status: criteria provided, single submitter. Criteria: Sema4 Curation Guidelines. Collection method: curation. Allele origin: germline.

Illumina Laboratory Services, Illumina
Classification: Likely benign for Holoprosencephaly 7. Last evaluated: 2018-01-13. Review status: criteria provided, single submitter. Criteria: ICSL Variant Classification Criteria 13 December 2019. Collection method: clinical testing. Allele origin: germline.
Comment: This variant was observed in the ICSL laboratory as part of a predisposition screen in an ostensibly healthy population. It had not been previously curated by ICSL or reported in the Human Gene Mutation Database (HGMD: prior to June 1st, 2018), and was therefore a candidate for classification through an automated scoring system. Utilizing variant allele frequency, disease prevalence and penetrance estimates, and inheritance mode, an automated score was calculated to assess if this variant is too frequent to cause the disease. Based on the score and internal cut-off values, a variant classified as likely benign is not then subjected to further curation. The score for this variant resulted in a classification of likely benign for this disease.

Illumina Laboratory Services, Illumina
Classification: Likely benign for Basal cell nevus syndrome 1. Last evaluated: 2018-01-13. Review status: criteria provided, single submitter. Criteria: ICSL Variant Classification Criteria 13 December 2019. Collection method: clinical testing. Allele origin: germline.
Comment: the same text as in the submission from Illumina Laboratory Services, Illumina above.

GeneDx
Classification: Likely benign. Last evaluated: 2017-08-04. Review status: criteria provided, single submitter. Criteria: GeneDx Variant Classification (06012015). Collection method: clinical testing. Allele origin: germline. Affected: yes.
Comment: This variant is considered likely benign or benign based on one or more of the following criteria: it is a conservative change, it occurs at a poorly conserved position in the protein, it is predicted to be benign by multiple in silico algorithms, and/or has population frequency not consistent with disease.

Ambry Genetics
Classification: Likely benign for Hereditary cancer-predisposing syndrome. Last evaluated: 2017-06-14. Review status: criteria provided, single submitter. Criteria: Ambry Variant Classification Scheme 2023. Collection method: clinical testing. Allele origin: germline.

NM_000264.5(PTCH1):c.2484C>T (p.Asn828=)

Genes: PTCH1 (patched 1; minus strand), LOC100507346 (uncharacterized LOC100507346; plus strand). Cytogenetic location: 9q22.32.
Variant type: single nucleotide variant.
Coding change: c.2484C>T on transcript NM_000264.5 (MANE Select); coding-DNA position 2484, C replaced by T.
Protein change: p.Asn828=; no amino-acid change (asparagine 828 retained).
Molecular consequence: synonymous variant. On other transcripts: non-coding transcript variant (2).
Genome position (GRCh38, 1-based): chr9:95,467,192, G>A on the plus strand (C>T on the coding strand, the complement: PTCH1 is on the minus strand). VCF-style: chr9-95467192-G-A. GRCh37 (hg19) VCF-style: chr9-98229474-G-A.
Other names: c.2286C>T, p.Asn762= (NM_001083602.3); c.2481C>T, p.Asn827= (NM_001083603.3); c.2031C>T, p.Asn677= (NM_001083604.3, NM_001083605.3, NM_001083606.3 and 1 more transcripts); c.2328C>T, p.Asn776= (NM_001354918.2).
Identifiers: ClinVar variation 135879 (VCV000135879.36), dbSNP rs143305989, ClinGen allele CA332493.